The following is an entry in ClinVar:

ClinVar aggregate classification (germline): Uncertain significance. Review status: criteria provided, multiple submitters, no conflicts (2 of 4 stars). 2 submissions from 2 submitters: Uncertain significance (2). Last evaluated 2023-12-27.

Conditions:
Retinitis pigmentosa 51 (RP51). Identifiers: Orphanet 791, MedGen C3150715, MONDO:0013274, OMIM 613464.
Bardet-Biedl syndrome 8 (BBS8). Identifiers: Orphanet 110, MedGen C1859566, MONDO:0014436, OMIM 615985.
Bardet-Biedl syndrome (BBS). Identifiers: Orphanet 110, MedGen C0752166, MONDO:0015229.

Allele frequency attached by ClinVar (database versions not stated): TOPMed below 0.00001; ExAC 0.00002.
gnomAD v4.1: 4 of 1,607,880 alleles (0.00025%); highest among the groups gnomAD compares: African/African-American, 0.0013%; no homozygotes.

Submissions (2):

Fulgent Genetics
Classification: Uncertain significance for Retinitis pigmentosa 51; Bardet-Biedl syndrome 8. Last evaluated: 2023-12-27. Review status: criteria provided, single submitter. Criteria: ACMG Guidelines, 2015. Collection method: clinical testing. Allele origin: germline.

Labcorp Genetics (formerly Invitae), Labcorp
Classification: Uncertain significance for Bardet-Biedl syndrome. Last evaluated: 2021-07-04. Review status: criteria provided, single submitter. Criteria: Invitae Variant Classification Sherloc (09022015). Collection method: clinical testing. Allele origin: germline.
Comment: This sequence change replaces serine with leucine at codon 3 of the TTC8 protein (p.Ser3Leu). The serine residue is weakly conserved and there is a large physicochemical difference between serine and leucine. In summary, the available evidence is currently insufficient to determine the role of this variant in disease. Therefore, it has been classified as a Variant of Uncertain Significance. Algorithms developed to predict the effect of missense changes on protein structure and function (SIFT, PolyPhen-2, Align-GVGD) all suggest that this variant is likely to be tolerated. This variant has not been reported in the literature in individuals affected with TTC8-related conditions. This variant is present in population databases (rs752229926, ExAC 0.003%).

NM_144596.4(TTC8):c.8C>T (p.Ser3Leu)

Gene: TTC8 (tetratricopeptide repeat domain 8; plus strand). Cytogenetic location: 14q31.3.
Variant type: single nucleotide variant.
Coding change: c.8C>T on transcript NM_144596.4 (MANE Select); coding-DNA position 8, C replaced by T.
Protein change: p.Ser3Leu; replaces serine 3 with leucine.
Molecular consequence: missense variant. On other transcripts: 5 prime UTR variant (2), non-coding transcript variant (1).
Genome position (GRCh38, 1-based): chr14:88,824,715, C>T. VCF-style: chr14-88824715-C-T. GRCh37 (hg19) VCF-style: chr14-89291059-C-T.
Other names: c.-555C>T (NM_001288782.1); c.-650C>T (NM_001288783.1); c.8C>T, p.Ser3Leu (NM_001366535.2, NM_001366536.2, NM_198309.3 and 2 more transcripts); short protein forms S3L.
Identifiers: ClinVar variation 1483015 (VCV001483015.9), dbSNP rs752229926, ClinGen allele CA7302305.